The following is an entry in ClinVar:

ClinVar aggregate classification (germline): Pathogenic/Likely pathogenic. Review status: criteria provided, multiple submitters, no conflicts (2 of 4 stars). 3 submissions from 3 submitters: Pathogenic (1); Likely pathogenic (2). Last evaluated 2024-10-01.

Conditions:
Acyl-CoA dehydrogenase 9 deficiency. Also called: Acyl-CoA dehydrogenase family, member 9, deficiency of; MITOCHONDRIAL COMPLEX I DEFICIENCY, NUCLEAR TYPE 20. Identifiers: Orphanet 99901, MedGen C4747517, MONDO:0012624, OMIM 611126.

Allele frequency attached by ClinVar (database versions not stated): gnomAD exomes below 0.00001.
gnomAD v4.1: 1 of 1,614,024 alleles (0.000062%); highest among the groups gnomAD compares: East Asian, 0.0022%; no homozygotes.

Submissions (3):

Excellence Center for Genomics and Precision Medicine, King Chulalongkorn Memorial Hospital
Classification: Pathogenic for Acyl-CoA dehydrogenase 9 deficiency. Last evaluated: 2024-10-01. Review status: criteria provided, single submitter. Criteria: ACMG Guidelines, 2015. Collection method: clinical testing. Allele origin: germline. Inheritance: Autosomal recessive inheritance. Affected: yes. Observed: 1 compound heterozygote.
Comment: PVS1: Null variant in a gene where loss of function is a known mechanism of disease PM2_Supporting: Extremely low frequency in gnomAD population databases PM3: For recessive disorders, detected in trans with a pathogenic variant NM_014049.5(ACAD9):c.1237G>A p.(Glu413Lys) in this patient PP4: Patient's phenotype or family history is highly specific for a disease with a single genetic etiology

Baylor Genetics
Classification: Likely pathogenic for Acyl-CoA dehydrogenase 9 deficiency. Last evaluated: 2023-12-11. Review status: criteria provided, single submitter. Criteria: ACMG Guidelines, 2015. Collection method: clinical testing. Allele origin: unknown.

Labcorp Genetics (formerly Invitae), Labcorp
Classification: Likely pathogenic. Last evaluated: 2020-06-21. Review status: criteria provided, single submitter. Criteria: Invitae Variant Classification Sherloc (09022015). Collection method: clinical testing. Allele origin: germline.
Comment: In summary, the currently available evidence indicates that the variant is pathogenic, but additional data are needed to prove that conclusively. Therefore, this variant has been classified as Likely Pathogenic. Donor and acceptor splice site variants typically lead to a loss of protein function (PMID: 16199547), and loss-of-function variants in ACAD9 are known to be pathogenic (PMID: 25721401). Algorithms developed to predict the effect of sequence changes on RNA splicing suggest that this variant may disrupt the consensus splice site, but this prediction has not been confirmed by published transcriptional studies. This variant has not been reported in the literature in individuals with ACAD9-related conditions. This variant is not present in population databases (ExAC no frequency). This sequence change affects a donor splice site in intron 15 of the ACAD9 gene. It is expected to disrupt RNA splicing and likely results in an absent or disrupted protein product.

Literature cited by the submitters: PubMed 16199547 (cited by Labcorp Genetics (formerly Invitae), Labcorp); PubMed 25721401 (cited by Labcorp Genetics (formerly Invitae), Labcorp).

NM_014049.5(ACAD9):c.1563+1G>A

Gene: ACAD9 (acyl-CoA dehydrogenase family member 9; plus strand). Cytogenetic location: 3q21.3.
Variant type: single nucleotide variant.
Coding change: c.1563+1G>A on transcript NM_014049.5 (MANE Select); the canonical splice donor site of the intron after coding-DNA position 1563, G replaced by A.
Molecular consequence: splice donor variant.
Genome position (GRCh38, 1-based): chr3:128,909,422, G>A. VCF-style: chr3-128909422-G-A. GRCh37 (hg19) VCF-style: chr3-128628265-G-A.
Other names: c.1194+1G>A (NM_001410805.1).
Identifiers: ClinVar variation 840179 (VCV000840179.11), dbSNP rs1936041020, ClinGen allele CA354438645.